The following is an entry in ClinVar:

ClinVar aggregate classification (germline): Uncertain significance (1 of 4 stars; one submission).

Conditions:
Hereditary cancer-predisposing syndrome. Also called: Neoplastic Syndromes, Hereditary; Tumor predisposition; Hereditary neoplastic syndrome; Hereditary Cancer Syndrome. Identifiers: Orphanet 140162, MedGen C0027672, MeSH D009386, MONDO:0015356.

Submission:

Ambry Genetics
Classification: Uncertain significance for Hereditary cancer-predisposing syndrome. Last evaluated: 2025-08-23. Review status: criteria provided, single submitter. Criteria: Ambry Variant Classification Scheme 2023. Collection method: clinical testing. Allele origin: germline.
Comment: The p.L2445R variant (also known as c.7334T>G), located in coding exon 49 of the ATM gene, results from a T to G substitution at nucleotide position 7334. The leucine at codon 2445 is replaced by arginine, an amino acid with dissimilar properties. This amino acid position is conserved. In addition, this alteration is predicted to be deleterious by in silico analysis. Based on the available evidence, the clinical significance of this variant remains unclear.

NM_000051.4(ATM):c.7334T>G (p.Leu2445Arg)

Genes: ATM (ATM serine/threonine kinase; plus strand), C11orf65 (chromosome 11 open reading frame 65; minus strand). Cytogenetic location: 11q22.3.
Variant type: single nucleotide variant.
Coding change: c.7334T>G on transcript NM_000051.4 (MANE Select); coding-DNA position 7334, T replaced by G.
Protein change: p.Leu2445Arg; replaces leucine 2445 with arginine.
Molecular consequence: missense variant. On other transcripts: intron variant (2).
Genome position (GRCh38, 1-based): chr11:108,330,240, T>G. VCF-style: chr11-108330240-T-G. GRCh37 (hg19) VCF-style: chr11-108200967-T-G.
Other names: c.7334T>G, p.Leu2445Arg (NM_001351834.2); c.641-21169A>C (NM_001330368.2); c.*38+4980A>C (NM_001351110.2); short protein forms L2445R.
Identifiers: ClinVar variation 4170139 (VCV004170139.1).